The following is an entry in ClinVar:

ClinVar aggregate classification (germline): Benign/Likely benign. Review status: criteria provided, multiple submitters, no conflicts (2 of 4 stars). 15 submissions from 15 submitters: Benign (9); Likely benign (3). 3 of the submissions do not count toward it. Last evaluated 2026-02-04.

Conditions:
Atypical hemolytic-uremic syndrome. Identifiers: Orphanet 2134, MedGen C2931788, MONDO:0016244.
Finnish congenital nephrotic syndrome (NPHS1). Also called: NEPHROTIC SYNDROME, TYPE 1. Identifiers: Orphanet 839, MedGen C0403399, MONDO:0009732, OMIM 256300.
Congenital nephrotic syndrome. Also called: Familial nephrotic syndrome. Identifiers: MedGen C3501848, MeSH C535761, MONDO:0002350, HP:0008677.

Allele frequency attached by ClinVar (database versions not stated): 1000 Genomes Project 0.02057; 1000 Genomes Project 30x 0.02264; TOPMed 0.03992; gnomAD 0.04362 and 0.04436; ESP Exome Variant Server 0.04621; ExAC 0.04733; gnomAD exomes 0.04874 and 0.06330.

Submissions (15):

Labcorp Genetics (formerly Invitae), Labcorp
Classification: Benign. Last evaluated: 2026-02-04. Review status: criteria provided, single submitter. Criteria: Invitae Variant Classification Sherloc (09022015). Collection method: clinical testing. Allele origin: germline.

Blueprint Genetics
Classification: Likely benign. Last evaluated: 2024-11-28. Review status: criteria provided, single submitter. Criteria: ACMG Guidelines, 2015. Collection method: clinical testing. Allele origin: germline.

Mayo Clinic Laboratories, Mayo Clinic
Classification: Benign. Last evaluated: 2023-10-24. Review status: criteria provided, single submitter. Criteria: ACMG Guidelines, 2015. Collection method: clinical testing. Allele origin: germline. Observed: 15 variant alleles.
Comment: BA1, BS2

Genome Diagnostics Laboratory, The Hospital for Sick Children
Classification: Benign for Atypical hemolytic-uremic syndrome. Last evaluated: 2021-10-09. Review status: criteria provided, single submitter. Criteria: ACMG Guidelines, 2015. Collection method: clinical testing. Allele origin: germline.

Genome-Nilou Lab
Classification: Benign for Finnish congenital nephrotic syndrome. Last evaluated: 2021-06-10. Review status: criteria provided, single submitter. Criteria: ACMG Guidelines, 2015. Collection method: clinical testing. Allele origin: germline. Affected: no.

GeneDx
Classification: Benign. Last evaluated: 2019-10-15. Review status: criteria provided, single submitter. Criteria: GeneDx Variant Classification Process June 2021. Collection method: clinical testing. Allele origin: germline. Affected: yes.
Comment: This variant is associated with the following publications: (PMID: 31216994, 27884173, 9915943, 21228398, 20981092, 20507940, 11726550, 24742477)

SIB Swiss Institute of Bioinformatics
Classification: Benign for Finnish congenital nephrotic syndrome. Last evaluated: 2018-05-31. Review status: criteria provided, single submitter. Criteria: ACMG Guidelines, 2015. Collection method: curation. Allele origin: unknown.
Comment: This variant is interpreted as a Benign - Stand Alone, for Nephrotic syndrome, type 1, in Autosomal Recessive manner. The following ACMG Tag(s) were applied: BA1 => Allele frequency is >5% in Exome Sequencing Project, 1000 Genomes Project, or Exome Aggregation Consortium.

Illumina Laboratory Services, Illumina
Classification: Likely benign for Congenital nephrotic syndrome. Last evaluated: 2018-03-06. Review status: criteria provided, single submitter. Criteria: ICSL Variant Classification Criteria 13 December 2019. Collection method: clinical testing. Allele origin: germline.
Comment: This variant was observed in the ICSL laboratory as part of a predisposition screen in an ostensibly healthy population. It had not been previously curated by ICSL or reported in the Human Gene Mutation Database (HGMD: prior to June 1st, 2018), and was therefore a candidate for classification through an automated scoring system. Utilizing variant allele frequency, disease prevalence and penetrance estimates, and inheritance mode, an automated score was calculated to assess if this variant is too frequent to cause the disease. Based on the score and internal cut-off values, a variant classified as likely benign is not then subjected to further curation. The score for this variant resulted in a classification of likely benign for this disease.

Athena Diagnostics
Classification: Benign. Last evaluated: 2017-08-23. Review status: criteria provided, single submitter. Criteria: Athena Diagnostics Criteria. Collection method: clinical testing. Allele origin: germline.

Genome Diagnostics Laboratory, University Medical Center Utrecht
Classification: Benign for Finnish congenital nephrotic syndrome. Last evaluated: 2015-07-20. Review status: criteria provided, single submitter. Criteria: ACGS Guidelines, 2013. Collection method: clinical testing. Allele origin: germline. Affected: yes. Study: VKGL Data-share Consensus.

Breakthrough Genomics
Classification: Likely benign. Review status: criteria provided, single submitter. Criteria: ACMG Guidelines, 2015. Collection method: not provided. Allele origin: germline. Inheritance: Autosomal recessive inheritance. Affected: yes.

PreventionGenetics, part of Exact Sciences
Classification: Benign. Review status: criteria provided, single submitter. Criteria: ACMG Guidelines, 2015. Collection method: clinical testing. Allele origin: germline.

Natera, Inc.
Classification: Benign for Finnish congenital nephrotic syndrome. Last evaluated: 2020-09-16. Review status: no assertion criteria provided. Collection method: clinical testing. Allele origin: germline. Not counted in ClinVar's aggregate classification.

Diagnostic Laboratory, Department of Genetics, University Medical Center Groningen
Classification: Benign for Finnish congenital nephrotic syndrome. Review status: no assertion criteria provided. Collection method: clinical testing. Allele origin: germline. Affected: yes. Study: VKGL Data-share Consensus. Not counted in ClinVar's aggregate classification.

Joint Genome Diagnostic Labs from Nijmegen and Maastricht, Radboudumc and MUMC+
Classification: Benign. Review status: no assertion criteria provided. Collection method: clinical testing. Allele origin: germline. Affected: yes. Study: VKGL Data-share Consensus. Not counted in ClinVar's aggregate classification.

Literature cited by the submitters: PubMed 11726550 (cited by Mayo Clinic Laboratories, Mayo Clinic); PubMed 11317351 (cited by Athena Diagnostics); PubMed 9915943 (cited by Athena Diagnostics).

NM_004646.4(NPHS1):c.1223G>A (p.Arg408Gln)

Gene: NPHS1 (NPHS1 adhesion molecule, nephrin; minus strand). Cytogenetic location: 19q13.12.
Variant type: single nucleotide variant.
Coding change: c.1223G>A on transcript NM_004646.4 (MANE Select); coding-DNA position 1223, G replaced by A.
Protein change: p.Arg408Gln; replaces arginine 408 with glutamine.
Molecular consequence: missense variant.
Genome position (GRCh38, 1-based): chr19:35,848,345, C>T on the plus strand (G>A on the coding strand, the complement: NPHS1 is on the minus strand). VCF-style: chr19-35848345-C-T. GRCh37 (hg19) VCF-style: chr19-36339247-C-T.
Other names: NM_004646.3(NPHS1):c.1223G>A(p.Arg408Gln); short protein forms R408Q.
Identifiers: ClinVar variation 259482 (VCV000259482.28), dbSNP rs33950747, ClinGen allele CA9390498.